The following is an entry in ClinVar:

NM_000639.3(FASLG):c.146C>T (p.Pro49Leu)

Gene: FASLG (Fas ligand; plus strand). Cytogenetic location: 1q24.3.
Variant type: single nucleotide variant.
Coding change: c.146C>T on transcript NM_000639.3 (MANE Select); coding-DNA position 146, C replaced by T.
Protein change: p.Pro49Leu; replaces proline 49 with leucine.
Molecular consequence: missense variant.
Genome position (GRCh38, 1-based): chr1:172,659,347, C>T. VCF-style: chr1-172659347-C-T. GRCh37 (hg19) VCF-style: chr1-172628487-C-T.
Other names: c.146C>T, p.Pro49Leu (NM_001302746.2); short protein forms P49L.
Identifiers: ClinVar variation 2042207 (VCV002042207.3), dbSNP rs370027887, ClinGen allele CA1247457.

ClinVar aggregate classification (germline): Uncertain significance. Review status: criteria provided, multiple submitters, no conflicts (2 of 4 stars). 3 submissions from 3 submitters: Uncertain significance (3). Last evaluated 2026-01-23.

Conditions:
Autoimmune lymphoproliferative syndrome type 1. Also called: AUTOIMMUNE LYMPHOPROLIFERATIVE SYNDROME, TYPE I, AUTOSOMAL DOMINANT. Identifiers: Orphanet 3261, MedGen C2717884, MONDO:0011158, OMIM 601859.

Allele frequency attached by ClinVar (database versions not stated): ExAC 0.00002; ESP Exome Variant Server 0.00008; gnomAD 0.00009; TOPMed 0.00012.

Submissions (3):

Women's Health and Genetics/Laboratory Corporation of America, LabCorp
Classification: Uncertain significance. Last evaluated: 2026-01-23. Review status: criteria provided, single submitter. Criteria: LabCorp Variant Classification Summary - May 2015. Collection method: clinical testing. Allele origin: germline.

Ambry Genetics
Classification: Uncertain significance. Last evaluated: 2025-04-20. Review status: criteria provided, single submitter. Criteria: Ambry Variant Classification Scheme 2023. Collection method: clinical testing. Allele origin: germline.

Labcorp Genetics (formerly Invitae), Labcorp
Classification: Uncertain significance for Autoimmune lymphoproliferative syndrome. Last evaluated: 2022-03-01. Review status: criteria provided, single submitter. Criteria: Invitae Variant Classification Sherloc (09022015). Collection method: clinical testing. Allele origin: germline.
Comment: This sequence change replaces proline, which is neutral and non-polar, with leucine, which is neutral and non-polar, at codon 49 of the FASLG protein (p.Pro49Leu). This variant is present in population databases (rs370027887, gnomAD 0.02%). This variant has not been reported in the literature in individuals affected with FASLG-related conditions. Algorithms developed to predict the effect of missense changes on protein structure and function are either unavailable or do not agree on the potential impact of this missense change (SIFT: "Deleterious"; PolyPhen-2: "Probably Damaging"; Align-GVGD: "Class C0"). In summary, the available evidence is currently insufficient to determine the role of this variant in disease. Therefore, it has been classified as a Variant of Uncertain Significance.